The following is an entry in ClinVar:

NM_000179.3(MSH6):c.4025_4069dup (p.Arg1342_Leu1356dup)

Gene: MSH6 (mutS homolog 6; plus strand). Cytogenetic location: 2p16.3.
Variant type: Duplication.
Coding change: c.4025_4069dup on transcript NM_000179.3 (MANE Select); coding-DNA positions 4025 to 4069, 45 bases duplicated.
Protein change: p.Arg1342_Leu1356dup.
Molecular consequence: inframe insertion.
Genome position (GRCh38, 1-based): chr2:47,806,802-47,806,846, 45 bases duplicated; duplicating any 45 consecutive bases within chr2:47,806,801-47,806,846 gives the same sequence; the c. name uses the placement nearest the transcript's 3' end. GRCh37 (hg19): chr2:48,033,941-48,033,985.
Other names: c.3635_3679dup, p.Arg1212_Leu1226dup (NM_001281492.2); c.3119_3163dup, p.Arg1040_Leu1054dup (NM_001281493.2, NM_001281494.2).
Identifiers: ClinVar variation 1043410 (VCV001043410.10), dbSNP rs1670213430, ClinGen allele CA2496054554.

ClinVar aggregate classification (germline): Uncertain significance. Review status: criteria provided, multiple submitters, no conflicts (2 of 4 stars). 2 submissions from 2 submitters: Uncertain significance (2). Last evaluated 2023-10-06.

Conditions:
Endometrial carcinoma. Also called: Endometrial carcinoma, somatic. Identifiers: MedGen C0476089, MONDO:0002447, OMIM 608089, HP:0012114.
Hereditary nonpolyposis colorectal neoplasms. Identifiers: MedGen C0009405, MeSH D003123.

Submissions (2):

Baylor Genetics
Classification: Uncertain significance for Endometrial carcinoma. Last evaluated: 2023-10-06. Review status: criteria provided, single submitter. Criteria: ACMG Guidelines, 2015. Collection method: clinical testing. Allele origin: unknown.

Labcorp Genetics (formerly Invitae), Labcorp
Classification: Uncertain significance for Hereditary nonpolyposis colorectal neoplasms. Last evaluated: 2022-09-23. Review status: criteria provided, single submitter. Criteria: Invitae Variant Classification Sherloc (09022015). Collection method: clinical testing. Allele origin: germline.
Comment: This variant, c.4025_4069dup, results in the insertion of 15 amino acid(s) of the MSH6 protein (p.Arg1342_Leu1356dup), but otherwise preserves the integrity of the reading frame. This variant is not present in population databases (gnomAD no frequency). This variant has not been reported in the literature in individuals affected with MSH6-related conditions. ClinVar contains an entry for this variant (Variation ID: 1043410). Algorithms developed to predict the effect of sequence changes on RNA splicing suggest that this variant may create or strengthen a splice site. In summary, the available evidence is currently insufficient to determine the role of this variant in disease. Therefore, it has been classified as a Variant of Uncertain Significance.